The following is an entry in ClinVar:

NM_004380.3(CREBBP):c.1447C>T (p.Arg483Ter)

Gene: CREBBP (CREB binding lysine acetyltransferase; minus strand). Cytogenetic location: 16p13.3.
Variant type: single nucleotide variant.
Coding change: c.1447C>T on transcript NM_004380.3 (MANE Select); coding-DNA position 1447, C replaced by T.
Protein change: p.Arg483Ter; replaces arginine 483 with a stop codon.
Molecular consequence: nonsense.
Genome position (GRCh38, 1-based): chr16:3,782,810, G>A on the plus strand (C>T on the coding strand, the complement: CREBBP is on the minus strand). VCF-style: chr16-3782810-G-A. GRCh37 (hg19) VCF-style: chr16-3832811-G-A.
Other names: c.1333C>T, p.Arg445Ter (NM_001079846.1); short protein forms R483*, R445*.
Identifiers: ClinVar variation 458197 (VCV000458197.15), dbSNP rs1555484797, ClinGen allele CA394557681.

ClinVar aggregate classification (germline): Pathogenic. Review status: criteria provided, multiple submitters, no conflicts (2 of 4 stars). 4 submissions from 4 submitters: Pathogenic (4). Last evaluated 2026-09-01.

Conditions:
Rubinstein-Taybi syndrome (RSTS). Identifiers: Orphanet 783, MedGen C0035934, MONDO:0019188.
Rubinstein-Taybi syndrome due to CREBBP mutations (RSTS1). Also called: RUBINSTEIN-TAYBI SYNDROME 1, INCOMPLETE; BROAD THUMB-HALLUX SYNDROME; CREBBP-Related Rubinstein-Taybi Syndrome; BROAD THUMBS AND GREAT TOES, CHARACTERISTIC FACIES, AND IMPAIRED INTELLECTUAL DEVELOPMENT; Rubinstein-Taybi syndrome 1; RUBINSTEIN SYNDROME. Identifiers: Orphanet 353277, Orphanet 783, MedGen C4551859, MONDO:0008393, OMIM 180849.

Submissions (4):

CeGaT Center for Human Genetics Tuebingen
Classification: Pathogenic. Last evaluated: 2026-09-01. Review status: criteria provided, single submitter. Criteria: CeGaT Center For Human Genetics Tuebingen Variant Classification Criteria Version 2. Collection method: clinical testing. Allele origin: germline. Affected: yes. Observed: 1 variant allele.
Comment: CREBBP: PVS1, PM2, PS4:Moderate

Labcorp Genetics (formerly Invitae), Labcorp
Classification: Pathogenic for Rubinstein-Taybi syndrome. Last evaluated: 2025-03-06. Review status: criteria provided, single submitter. Criteria: Invitae Variant Classification Sherloc (09022015). Collection method: clinical testing. Allele origin: germline.
Comment: This sequence change creates a premature translational stop signal (p.Arg483*) in the CREBBP gene. It is expected to result in an absent or disrupted protein product. Loss-of-function variants in CREBBP are known to be pathogenic (PMID: 17052327, 18792986). This variant is not present in population databases (gnomAD no frequency). This premature translational stop signal has been observed in individual(s) with Rubinstein-Taybi syndrome (PMID: 31566936). ClinVar contains an entry for this variant (Variation ID: 458197). Algorithms developed to predict the effect of sequence changes on RNA splicing suggest that this variant may disrupt the consensus splice site. For these reasons, this variant has been classified as Pathogenic.

Institute of Medical Genetics and Applied Genomics, University Hospital Tübingen
Classification: Pathogenic. Last evaluated: 2020-10-23. Review status: criteria provided, single submitter. Criteria: ACMG Guidelines, 2015. Collection method: clinical testing. Allele origin: germline. Inheritance: Unknown mechanism. Affected: yes.

Lifecell International Pvt. Ltd
Classification: Pathogenic for Rubinstein-Taybi syndrome due to CREBBP mutations. Review status: criteria provided, single submitter. Criteria: ACMG Guidelines, 2015. Collection method: clinical testing. Allele origin: germline. Inheritance: Autosomal dominant inheritance. Affected: yes. Observed: 1 heterozygote.
Comment: A Heterozygous Nonsense variant c.1447C>T in Exon 6 of the CREBBP gene that results in the amino acid substitution p.Arg483* was identified. The observed variant is novel in gnomAD exomes and genomes, respectively. The severity of the impact of this variant on the protein is high, based on the effect of the protein and REVEL score . Rare Exome Variant Ensemble Learner (REVEL) is an ensembl method for predicting the pathogenicity of missense variants based on a combination of scores from 13 individual tools: MutPred, FATHMM v2.3, VEST 3.0, PolyPhen-2, SIFT, PROVEAN, MutationAssessor, MutationTaster, LRT, GERP++, SiPhy, phyloP, and phastCons. The REVEL score for an individual missense variant can range from 0 to 1, with higher scores reflecting greater likelihood that the variant is disease-causing. ClinVar has also classified this variant as Pathogenic (Variant ID: 458197). Based on the above evidence this variant has been classified as Pathogenic according to the ACMG guidelines.

Literature cited by the submitters: PubMed 17052327 (cited by Labcorp Genetics (formerly Invitae), Labcorp); PubMed 18792986 (cited by Labcorp Genetics (formerly Invitae), Labcorp); PubMed 31566936 (cited by Labcorp Genetics (formerly Invitae), Labcorp).